The following is an entry in ClinVar:

ClinVar aggregate classification (germline): Uncertain significance (1 of 4 stars; one submission).

Allele frequency attached by ClinVar (database versions not stated): TOPMed below 0.00001.
gnomAD v4.1: 11 of 1,614,254 alleles (0.00068%); highest among the groups gnomAD compares: East Asian, 0.025%; no homozygotes.

Submission:

Women's Health and Genetics/Laboratory Corporation of America, LabCorp
Classification: Uncertain significance. Last evaluated: 2024-04-22. Review status: criteria provided, single submitter. Criteria: LabCorp Variant Classification Summary - May 2015. Collection method: clinical testing. Allele origin: germline.
Comment: Variant summary: HLCS c.709C>G (p.Leu237Val) results in a conservative amino acid change in the encoded protein sequence. Three of five in-silico tools predict a damaging effect of the variant on protein function. The variant allele was found at a frequency of 8e-06 in 251258 control chromosomes. The available data on variant occurrences in the general population are insufficient to allow any conclusion about variant significance. To our knowledge, no occurrence of c.709C>G in individuals affected with Holocarboxylase Synthetase Deficiency and no experimental evidence demonstrating its impact on protein function have been reported. A different variant affecting the same codon has been classified as pathogenic by our lab (c.710T>C, p.Leu237Pro), however, additional evidence is needed at this time to make unequivocal conclusions about the significance of this variant. No submitters have cited clinical-significance assessments for this variant to ClinVar. Based on the evidence outlined above, the variant was classified as uncertain significance.

NM_001352514.2(HLCS):c.1150C>G (p.Leu384Val)

Gene: HLCS (holocarboxylase synthetase; minus strand). Cytogenetic location: 21q22.13.
Variant type: single nucleotide variant.
Coding change: c.1150C>G on transcript NM_001352514.2 (MANE Select); coding-DNA position 1150, C replaced by G.
Protein change: p.Leu384Val; replaces leucine 384 with valine.
Molecular consequence: missense variant. On other transcripts: non-coding transcript variant (2).
Genome position (GRCh38, 1-based): chr21:36,936,736, G>C on the plus strand (C>G on the coding strand, the complement: HLCS is on the minus strand). VCF-style: chr21-36936736-G-C. GRCh37 (hg19) VCF-style: chr21-38309036-G-C.
Other names: c.709C>G, p.Leu237Val (NM_000411.8, NM_001242784.3, NM_001242785.2 and 4 more transcripts); short protein forms L237V, L384V.
Identifiers: ClinVar variation 3251808 (VCV003251808.1), dbSNP rs538157231.